The following is an entry in ClinVar:

NM_000264.5(PTCH1):c.2438C>T (p.Pro813Leu)

Genes: PTCH1 (patched 1; minus strand), LOC100507346 (uncharacterized LOC100507346; plus strand). Cytogenetic location: 9q22.32.
Variant type: single nucleotide variant.
Coding change: c.2438C>T on transcript NM_000264.5 (MANE Select); coding-DNA position 2438, C replaced by T.
Protein change: p.Pro813Leu; replaces proline 813 with leucine.
Molecular consequence: missense variant. On other transcripts: non-coding transcript variant (1).
Genome position (GRCh38, 1-based): chr9:95,467,238, G>A on the plus strand (C>T on the coding strand, the complement: PTCH1 is on the minus strand). VCF-style: chr9-95467238-G-A. GRCh37 (hg19) VCF-style: chr9-98229520-G-A.
Other names: c.2240C>T, p.Pro747Leu (NM_001083602.3); c.2435C>T, p.Pro812Leu (NM_001083603.3); c.1985C>T, p.Pro662Leu (NM_001083604.3, NM_001083605.3, NM_001083606.3 and 1 more transcripts); c.2282C>T, p.Pro761Leu (NM_001354918.2); short protein forms P662L, P747L, P761L, P812L, P813L.
Identifiers: ClinVar variation 3705147 (VCV003705147.3).

ClinVar aggregate classification (germline): Uncertain significance. Review status: criteria provided, multiple submitters, no conflicts (2 of 4 stars). 2 submissions from 2 submitters: Uncertain significance (2). Last evaluated 2026-03-19.

Conditions:
Gorlin syndrome. Also called: Nevoid Basal Cell Carcinoma Syndrome; Basal cell nevus syndrome. Identifiers: Orphanet 377, MedGen C0004779, MONDO:0007187.
Hereditary cancer-predisposing syndrome. Also called: Hereditary Cancer Syndrome; Hereditary neoplastic syndrome; Neoplastic Syndromes, Hereditary; Tumor predisposition. Identifiers: Orphanet 140162, MedGen C0027672, MeSH D009386, MONDO:0015356.

gnomAD v4.1: 4 of 1,612,430 alleles (0.00025%); highest among the groups gnomAD compares: Non-Finnish European, 0.00034%; no homozygotes.

Submissions (2):

Ambry Genetics
Classification: Uncertain significance for Hereditary cancer-predisposing syndrome. Last evaluated: 2026-03-19. Review status: criteria provided, single submitter. Criteria: Ambry Variant Classification Scheme 2023. Collection method: clinical testing. Allele origin: germline.
Comment: The p.P813L variant (also known as c.2438C>T), located in coding exon 15 of the PTCH1 gene, results from a C to T substitution at nucleotide position 2438. The proline at codon 813 is replaced by leucine, an amino acid with similar properties. This amino acid position is well conserved in available vertebrate species. In addition, the in silico prediction for this alteration is inconclusive. Based on the available evidence, the clinical significance of this variant remains unclear.

Labcorp Genetics (formerly Invitae), Labcorp
Classification: Uncertain significance for Gorlin syndrome. Last evaluated: 2025-05-27. Review status: criteria provided, single submitter. Criteria: Invitae Variant Classification Sherloc (09022015). Collection method: clinical testing. Allele origin: germline.
Comment: This sequence change replaces proline, which is neutral and non-polar, with leucine, which is neutral and non-polar, at codon 813 of the PTCH1 protein (p.Pro813Leu). This variant is not present in population databases (gnomAD no frequency). This variant has not been reported in the literature in individuals affected with PTCH1-related conditions. ClinVar contains an entry for this variant (Variation ID: 3705147). Invitae Evidence Modeling of protein sequence and biophysical properties (such as structural, functional, and spatial information, amino acid conservation, physicochemical variation, residue mobility, and thermodynamic stability) indicates that this missense variant is not expected to disrupt PTCH1 protein function with a negative predictive value of 95%. In summary, the available evidence is currently insufficient to determine the role of this variant in disease. Therefore, it has been classified as a Variant of Uncertain Significance.